The following is an entry in ClinVar:

ClinVar aggregate classification (germline): not provided (0 of 4 stars; one submission).

Conditions:
Normal pregnancy. Identifiers: MedGen C0232989.

Submission:

Institute of Molecular and Cell Biology, University of Tartu
No classification provided. Condition: Normal pregnancy. Review status: no classification provided. Collection method: case-control. Allele origin: unknown. Affected: yes. Study: Kasak2014.
Comment: The study aimed to determine the contribution of copy number variants in the genetic etiology of normal and complicated pregnancies. The samples represented (i) maternal blood DNA drawn from healthy pregnant women during 1st or 2nd trimester and (ii) maternal and paternal blood DNA drawn at term pregnancy cases representing normal and complicated gestations (severe preeclampsia, PE; gestational diabetes, GD; small-for-gestational age newborn, SGA; large-for-gestational age newborn, LGA). We performed CNV calling based on genome-wide genotyping dataset (Illumina HumanOmniExpress-24-v1 BeadChip) by applying three algorithms, QuantiSNP, GADA (Genome Alteration Detection Algorithm) and CNstream in parallel. The acquired CNV calls were merged with HD-CNV (Hotspot Detector for Copy Number Variants) program and only the CNVs predicted by at least two programs, were considered in subsequent analysis.

Literature cited by the submitters: PubMed 25666259.

NC_000005.10:g.118365774_118371679del

Gene: LINC02208 (long intergenic non-protein coding RNA 2208; minus strand). Cytogenetic location: 5q23.1.
Variant type: Deletion.
Genome position: GRCh38: chr5:118,365,774-118,371,679. GRCh37 (hg19): chr5:117,701,469-117,707,374.
Identifiers: ClinVar variation 156995 (VCV000156995.2), ClinGen allele CA212132.